The following is an entry in ClinVar:

NM_025114.4(CEP290):c.6135+7G>A

Gene: CEP290 (centrosomal protein 290; minus strand). Cytogenetic location: 12q21.32.
Variant type: single nucleotide variant.
Coding change: c.6135+7G>A on transcript NM_025114.4 (MANE Select); 7 bases into the intron after coding-DNA position 6135, G replaced by A.
Molecular consequence: intron variant.
Genome position (GRCh38, 1-based): chr12:88,068,515, C>T on the plus strand (G>A on the coding strand, the complement: CEP290 is on the minus strand). VCF-style: chr12-88068515-C-T. GRCh37 (hg19) VCF-style: chr12-88462292-C-T.
Other names: c.6135+7G>A (NM_025114.3).
Identifiers: ClinVar variation 1078233 (VCV001078233.8), dbSNP rs772383636, ClinGen allele CA6711566.

ClinVar aggregate classification (germline): Likely benign. Review status: criteria provided, multiple submitters, no conflicts (2 of 4 stars). 2 submissions from 2 submitters: Likely benign (2). Last evaluated 2026-06-03.

Conditions:
CEP290-related disorder. Also called: CEP290-related disorders; CEP290-related condition. Identifiers: MedGen CN239314.
Nephronophthisis. Also called: Juvenile Nephronophthisis. Identifiers: Orphanet 655, MedGen C0687120, MONDO:0019005, HP:0000090.
Meckel-Gruber syndrome. Also called: Dysencephalia splachnocystica; DYSENCEPHALIA SPLANCHNOCYSTICA; GRUBER SYNDROME. Identifiers: Orphanet 564, MedGen C0265215, MONDO:0018921.
Joubert syndrome. Also called: JOUBERT-BOLTSHAUSER SYNDROME; Familial aplasia of the vermis. Identifiers: Orphanet 475, MedGen C5979921, MONDO:0018772.

Allele frequency attached by ClinVar (database versions not stated): gnomAD exomes 0.00001; TOPMed 0.00001; gnomAD 0.00002; ExAC 0.00006.
gnomAD v4.1: 12 of 1,477,700 alleles (0.00081%); highest among the groups gnomAD compares: South Asian, 0.0014%; no homozygotes.

Submissions (2):

PreventionGenetics, part of Exact Sciences
Classification: Likely benign for CEP290-related condition. Last evaluated: 2026-06-03. Review status: criteria provided, single submitter. Criteria: ACMG Guidelines, 2015. Collection method: clinical testing. Allele origin: germline.
Comment: This variant is classified as likely benign based on ACMG/AMP sequence variant interpretation guidelines (Richards et al. 2015 PMID: 25741868, with internal and published modifications).

Labcorp Genetics (formerly Invitae), Labcorp
Classification: Likely benign for Joubert syndrome; Meckel-Gruber syndrome; Nephronophthisis. Last evaluated: 2026-02-01. Review status: criteria provided, single submitter. Criteria: Invitae Variant Classification Sherloc (09022015). Collection method: clinical testing. Allele origin: germline.